The following is an entry in ClinVar:

ClinVar aggregate classification (germline): Pathogenic/Likely pathogenic. Review status: criteria provided, multiple submitters, no conflicts (2 of 4 stars). 19 submissions from 19 submitters: Pathogenic (12); Likely pathogenic (1). 6 of the submissions do not count toward it. Last evaluated 2025-09-08.

Conditions:
COL6A1-related disorder. Also called: COL6A1-related condition.
Bethlem myopathy 1A. Also called: Bethlem myopathy 1; MYOPATHY, BENIGN CONGENITAL, WITH CONTRACTURES; Bethlem Muscular Dystrophy. Identifiers: Orphanet 610, MedGen CN029274, MONDO:0024530, OMIM 158810.
Abnormality of the musculature. Identifiers: MedGen C4021745, HP:0003011.
Sensorimotor neuropathy. Identifiers: MedGen C1112256, HP:0007141.

Submissions (19):

3billion
Classification: Pathogenic for Bethlem myopathy 1A. Last evaluated: 2025-09-08. Review status: criteria provided, single submitter. Criteria: ACMG Guidelines, 2015. Collection method: clinical testing. Allele origin: germline. Affected: yes.
Comment: The variant is not observed in the gnomAD v4.1.0 dataset. Predicted Consequence/Location: Canonical splice site: predicted to alter splicing and result in a loss or disruption of normal protein function. Multiple pathogenic loss-of-function variants are reported downstream of the variant. In silico tools predict the variant to alter splicing and produce an abnormal transcript [SpliceAI: 0.90 (spliceogenicity >=0.2, non-spliceogenicity <0.1)]. The variant has been reported at least twice as pathogenic with clinical assertions and evidence for the classification (ClinVar ID: VCV000017174 /PMID: 10419498 /3billion dataset). Therefore, this variant is classified as Pathogenic according to the recommendation of ACMG/AMP guideline.

Labcorp Genetics (formerly Invitae), Labcorp
Classification: Pathogenic for Bethlem myopathy 1A. Last evaluated: 2025-08-28. Review status: criteria provided, single submitter. Criteria: Invitae Variant Classification Sherloc (09022015). Collection method: clinical testing. Allele origin: germline.
Comment: This sequence change affects a donor splice site in intron 14 of the COL6A1 gene. It is expected to disrupt RNA splicing. Variants that disrupt the donor or acceptor splice site typically lead to a loss of protein function (PMID: 16199547), and loss-of-function variants in COL6A1 are known to be disease-causing for autosomal recessive COL6A1-related conditions (PMID: 21280092, 20976770). However, certain variants affecting donor or acceptor splice sites in the triple helical domain of COL6A1 are expected to result in in-frame exon skipping and have been reported to cause autosomal dominant COL6A1-related conditions (PMID: 18366090). This variant is not present in population databases (gnomAD no frequency). Disruption of this splice site has been observed in individual(s) with autosomal dominant Bethlem myopathy (PMID: 10419498, 12840783, 15955946, 17886299, 25749816). In at least one individual the variant was observed to be de novo. It has also been observed to segregate with disease in related individuals. ClinVar contains an entry for this variant (Variation ID: 17174). Studies have shown that disruption of this splice site results in skipping of exon 14, but is expected to preserve the integrity of the reading-frame (PMID: 10419498, 12840783). For these reasons, this variant has been classified as Pathogenic.

Blueprint Genetics
Classification: Pathogenic for COL6A1-related disorders. Last evaluated: 2024-01-11. Review status: criteria provided, single submitter. Criteria: ACMG Guidelines, 2015. Collection method: clinical testing. Allele origin: germline. Affected: yes. Observed: 2 variant alleles.

Broad Center for Mendelian Genomics, Broad Institute of MIT and Harvard
Classification: Pathogenic for Bethlem myopathy 1A. Last evaluated: 2023-05-02. Review status: criteria provided, single submitter. Criteria: ACMG Guidelines, 2015. Collection method: curation. Allele origin: germline. Inheritance: Autosomal dominant inheritance.
Comment: Trio exome analysis showed this variant to be de novo. The c.1056+1G>A variant in COL6A1 has been reported in 19 unrelated individuals with autosomal dominant COL6A1-related myopathy (PMID: 24271325, PMID: 29419890, PMID: 25749816, PMID: 15955946, PMID: 17886299, PMID: 10419498, PMID: 12840783) and segregated with disease in 18 affected relatives from six families (PMID: 25749816, PMID: 15955946). The number of reported affected individuals with this variant is greater than expected compared to non-affected individuals with this variant. This variant was previously found to be de novo in three individuals with paternity and maternity confirmed (PMID: 12840783, PMID: 29419890) and was assumed de novo in one individual but maternity and paternity have not been confirmed (PMID: 15955946). This variant has also been reported in ClinVar (Variation ID: 17174) and has been interpreted as pathogenic by multiple submitters. This variant was absent from large population studies. RT-PCR analysis performed on affected tissue shows evidence of altered splicing, with in-frame skipping of exon 14 (PMID: 17886299, PMID: 10419498). Two different nucleotide changes that also result in a splice donor variant at the same site, c.1056+1G>T and c.1056+1G>C, have been previously reported pathogenic (ClinVar Variation ID: 946468, 1322138), and the variant being assessed here, c.1056+1G>A, is predicted by SpliceAI to have a similar effect on splicing. This variant is located in the 5' splice region. Computational tools predict a splicing impact, though this information is not predictive enough to determine pathogenicity. There is an in-frame cryptic splice site 54 bases from the intron-exon boundary, providing evidence that this variant may delete 18 amino acids instead of causing loss of function. However, this information is not predictive enough to determine pathogenicity. Heterozygous loss of function of the COL6A1 gene is an established disease mechanism in autosomal dominant COL6A1-related myopathy. In summary, this variant meets criteria to be classified as pathogenic for autosomal dominant COL6A1-related myopathy. ACMG/AMP Criteria applied: PVS1_Moderate, PS1_Supporting, PS2, PS3_Moderate, PM2_Supporting, PM3_VeryStrong, PM6_Supporting, PP1_Strong (Richards 2015).

MGZ Medical Genetics Center
Classification: Likely pathogenic for Bethlem myopathy 1A. Last evaluated: 2022-06-21. Review status: criteria provided, single submitter. Criteria: ACMG Guidelines, 2015. Collection method: clinical testing. Allele origin: germline. Affected: yes. Observed: 1 variant allele.
Comment: ACMG criteria applied: PS3_MOD, PS4_MOD, PM1, PM4, PM2_SUP, PP1, PP3

Revvity Omics, Revvity
Classification: Pathogenic. Last evaluated: 2022-05-20. Review status: criteria provided, single submitter. Criteria: ACMG Guidelines, 2015. Collection method: clinical testing. Allele origin: germline.

Kariminejad - Najmabadi Pathology & Genetics Center
Classification: Pathogenic for Abnormality of the musculature. Last evaluated: 2021-07-10. Review status: criteria provided, single submitter. Criteria: ACMG Guidelines, 2015. Collection method: clinical testing. Allele origin: de novo. Affected: yes.

GeneDx
Classification: Pathogenic. Last evaluated: 2018-10-30. Review status: criteria provided, single submitter. Criteria: GeneDx Variant Classification (06012015). Collection method: clinical testing. Allele origin: germline. Affected: yes.
Comment: The c.1056+1 G>A pathogenic variant in the COL6A1 gene has been previously reported in multiple patients with COL6A1-related disorders (Lamande et al., 1999; Pan et al., 2003; Lucioli et al., 2005; Baker et al., 2007; Kawahara et al., 2008). Reported individuals did not have a second identifiable COL6A1 pathogenic variant, and c.1056+1 G>A was found to be de novo in one case (Pan et al., 2003). This variant destroys the canonical splice donor site of intron 14 and functional studies demonstrate that it results in the skipping of exon 14, leading to abnormal gene splicing (Pan et al., 2003; Baker et al., 2007). It was not observed in approximately 6,500 individuals of European and African American ancestry in the NHLBI Exome Sequencing Project, indicating it is not a common benign variant in these populations.

CeGaT Center for Human Genetics Tuebingen
Classification: Pathogenic. Last evaluated: 2017-02-01. Review status: criteria provided, single submitter. Criteria: CeGaT Center For Human Genetics Tuebingen Variant Classification Criteria Version 2. Collection method: clinical testing. Allele origin: germline. Affected: yes. Observed: 1 variant allele.

Eurofins Ntd Llc (ga)
Classification: Pathogenic. Last evaluated: 2017-01-15. Review status: criteria provided, single submitter. Criteria: EGL Classification Definitions. Collection method: clinical testing. Allele origin: germline. Observed: 8 variant alleles, 8 heterozygotes.

Centre for Mendelian Genomics, University Medical Centre Ljubljana
Classification: Pathogenic for Sensorimotor neuropathy. Last evaluated: 2017-01-01. Review status: criteria provided, single submitter. Criteria: ACMG Guidelines, 2015. Collection method: clinical testing. Allele origin: unknown. Affected: yes.

Clinical Biomedical Laboratory, Shriners Hospital For Children - Canada
Classification: Pathogenic for Bethlem myopathy 1A. Review status: criteria provided, single submitter. Criteria: ACMG Guidelines, 2015. Collection method: clinical testing. Allele origin: germline. Affected: yes.
Comment: This variant is predicted to affect a canonical splice site in COL6A1. This variant is expected to disrupt RNA splicing and lead to loss of function of the affected allele. This variant is absent from the Genome Aggregation Database (v2.1.1), indicating it is very rare. This variant has been reported in the literature by multiple authors (e.g., PMID 29419890). Based on the ACMG variant interpretation guidelines (criteria: PVS1, PS3, PM2), the available evidence supports classification of this variant as pathogenic.

Clinical Genetics Service, Universitary Hospital 12 de Octubre
Classification: Pathogenic for Bethlem myopathy 1A. Review status: criteria provided, single submitter. Criteria: ACMG Guidelines, 2015. Collection method: clinical testing. Allele origin: germline. Affected: yes.

OMIM
Classification: Pathogenic for BETHLEM MYOPATHY 1A. Last evaluated: 2007-10-01. Review status: no assertion criteria provided. Collection method: literature only. Allele origin: germline. Not counted in ClinVar's aggregate classification.

Clinical Genetics, Academic Medical Center
Classification: Pathogenic. Review status: no assertion criteria provided. Collection method: clinical testing. Allele origin: germline. Affected: yes. Study: VKGL Data-share Consensus. Not counted in ClinVar's aggregate classification.

GeneReviews
No classification provided. Condition: Bethlem myopathy 1A. Review status: no classification provided. Collection method: literature only. Allele origin: germline. Not counted in ClinVar's aggregate classification.
Comment: Common variant that results in exon 14 skipping

Genome Diagnostics Laboratory, Amsterdam University Medical Center
Classification: Pathogenic. Review status: no assertion criteria provided. Collection method: clinical testing. Allele origin: germline. Affected: yes. Study: VKGL Data-share Consensus. Not counted in ClinVar's aggregate classification.

Genome Diagnostics Laboratory, University Medical Center Utrecht
Classification: Pathogenic. Review status: no assertion criteria provided. Collection method: clinical testing. Allele origin: germline. Affected: yes. Study: VKGL Data-share Consensus. Not counted in ClinVar's aggregate classification.

Joint Genome Diagnostic Labs from Nijmegen and Maastricht, Radboudumc and MUMC+
Classification: Pathogenic. Review status: no assertion criteria provided. Collection method: clinical testing. Allele origin: germline. Affected: yes. Study: VKGL Data-share Consensus. Not counted in ClinVar's aggregate classification.

Literature cited by the submitters: PubMed 10419498 (cited by 3 submitters); PubMed 16199547 (cited by Labcorp Genetics (formerly Invitae), Labcorp); PubMed 21280092 (cited by Labcorp Genetics (formerly Invitae), Labcorp); PubMed 20976770 (cited by Labcorp Genetics (formerly Invitae), Labcorp); PubMed 18366090 (cited by Labcorp Genetics (formerly Invitae), Labcorp); PubMed 12840783 (cited by Labcorp Genetics (formerly Invitae), Labcorp and OMIM); PubMed 15955946 (cited by Labcorp Genetics (formerly Invitae), Labcorp and OMIM); PubMed 17886299 (cited by 3 submitters); PubMed 25749816 (cited by Labcorp Genetics (formerly Invitae), Labcorp); PubMed 24271325 (cited by GeneReviews); PubMed 29419890 (cited by GeneReviews); PubMed 20301676 (cited by GeneReviews).

NM_001848.3(COL6A1):c.1056+1G>A

Gene: COL6A1 (collagen type VI alpha 1 chain; plus strand). Cytogenetic location: 21q22.3.
Variant type: single nucleotide variant.
Coding change: c.1056+1G>A on transcript NM_001848.3 (MANE Select); the canonical splice donor site of the intron after coding-DNA position 1056, G replaced by A.
Molecular consequence: splice donor variant.
Genome position (GRCh38, 1-based): chr21:45,990,827, G>A. VCF-style: chr21-45990827-G-A. GRCh37 (hg19) VCF-style: chr21-47410741-G-A.
Other names: IVS14DS, G-A, +1.
Identifiers: ClinVar variation 17174 (VCV000017174.65), dbSNP rs398123631, ClinGen allele CA221748.